The following is an entry in ClinVar:

ClinVar aggregate classification (germline): Uncertain significance (1 of 4 stars; one submission).

Submission:

GeneDx
Classification: Uncertain significance. Last evaluated: 2019-08-21. Review status: criteria provided, single submitter. Criteria: GeneDx Variant Classification Process June 2021. Collection method: clinical testing. Allele origin: germline. Affected: yes.
Comment: Not observed in large population cohorts (Lek et al., 2016); Frameshift variant predicted to result in protein truncation as the last 366 amino acids are lost and replaced with 51 incorrect amino acids, although loss-of-function variants have not been reported downstream of this position in the protein; Has not been previously published as pathogenic or benign to our knowledge

NM_001101362.3(KBTBD13):c.276_277insT (p.Leu93fs)

Gene: KBTBD13 (kelch repeat and BTB domain containing 13; plus strand). Cytogenetic location: 15q22.31.
Variant type: Insertion.
Coding change: c.276_277insT on transcript NM_001101362.3 (MANE Select); coding-DNA positions 276 to 277, T inserted.
Protein change: p.Leu93fs; shifts the reading frame from leucine 93.
Molecular consequence: frameshift variant.
Genome position: GRCh38 VCF-style: chr15-65077091-G-GT. GRCh37 (hg19) VCF-style: chr15-65369429-G-GT.
Other names: short protein forms L93fs.
Identifiers: ClinVar variation 1307954 (VCV001307954.2), dbSNP rs2140543574, ClinGen allele CA2573054067.